The following is an entry in ClinVar:

NM_015335.5(MED13L):c.6311C>T (p.Ala2104Val)

Gene: MED13L (mediator complex subunit 13L; minus strand). Cytogenetic location: 12q24.21.
Variant type: single nucleotide variant.
Coding change: c.6311C>T on transcript NM_015335.5 (MANE Select); coding-DNA position 6311, C replaced by T.
Protein change: p.Ala2104Val; replaces alanine 2104 with valine.
Molecular consequence: missense variant.
Genome position (GRCh38, 1-based): chr12:115,966,158, G>A on the plus strand (C>T on the coding strand, the complement: MED13L is on the minus strand). VCF-style: chr12-115966158-G-A. GRCh37 (hg19) VCF-style: chr12-116403963-G-A.
Other names: short protein forms A2104V.
Identifiers: ClinVar variation 643671 (VCV000643671.12), dbSNP rs1177608611, ClinGen allele CA386874692.
Genomic context (GRCh38, chr12:115,966,158, plus strand): 5'-CACTGGTTTTGAGCCTGGGGACACGATGACCAAAACCACTGGGGAAGATTCTCAGCTTTG[G>A]CAGTTGATACAAAATACCCAAGGGCCAGGGGCTGCTGCTTTAGCTCCTCTGGTGCTTCTC-3'
Protein context (NP_056150.1, residues 2094-2114): PLALGYFVST[Ala2104Val]KAENLPQWFW

ClinVar aggregate classification (germline): Conflicting classifications of pathogenicity. Review status: criteria provided, conflicting classifications (1 of 4 stars). 2 submissions from 2 submitters: Uncertain significance (1); Benign (1). Last evaluated 2025-07-08.

Conditions:
Dextro-looped transposition of the great arteries. Also called: Dextrotransposition of the great arteries. Identifiers: Orphanet 860, MedGen C3531771, MONDO:0019443, OMIM 608808, HP:0031348.

Allele frequency attached by ClinVar (database versions not stated): gnomAD exomes below 0.00001 and 0.00001; TOPMed 0.00001.
gnomAD v4.1: 3 of 1,614,132 alleles (0.00019%); highest among the groups gnomAD compares: Admixed American, 0.0033%; no homozygotes.

Submissions (2):

Labcorp Genetics (formerly Invitae), Labcorp
Classification: Benign for Dextro-looped transposition of the great arteries. Last evaluated: 2025-07-08. Review status: criteria provided, single submitter. Criteria: Invitae Variant Classification Sherloc (09022015). Collection method: clinical testing. Allele origin: germline.

Women's Health and Genetics/Laboratory Corporation of America, LabCorp
Classification: Uncertain significance. Last evaluated: 2024-06-24. Review status: criteria provided, single submitter. Criteria: LabCorp Variant Classification Summary - May 2015. Collection method: clinical testing. Allele origin: germline.
Comment: Variant summary: MED13L c.6311C>T (p.Ala2104Val) results in a non-conservative amino acid change located in the Mediator complex subunit Med13, C-terminal (IPR009401) of the encoded protein sequence. Four of five in-silico tools predict a damaging effect of the variant on protein function. The variant allele was found at a frequency of 4e-06 in 251190 control chromosomes. The available data on variant occurrences in the general population are insufficient to allow any conclusion about variant significance. To our knowledge, no occurrence of c.6311C>T in individuals affected with Intellectual Disability And Distinctive Facial Features With Or Without Cardiac Defects and no experimental evidence demonstrating its impact on protein function have been reported. ClinVar contains an entry for this variant (Variation ID: 643671). Based on the evidence outlined above, the variant was classified as uncertain significance.